The following is an entry in ClinVar:

ClinVar aggregate classification (germline): Uncertain significance (1 of 4 stars; one submission).

Submission:

GeneDx
Classification: Uncertain significance. Last evaluated: 2022-11-03. Review status: criteria provided, single submitter. Criteria: GeneDx Variant Classification Process June 2021. Collection method: clinical testing. Allele origin: germline. Affected: yes.
Comment: Not observed at significant frequency in large population cohorts (gnomAD); In silico analysis supports that this missense variant has a deleterious effect on protein structure/function; Has not been previously published as pathogenic or benign to our knowledge

NM_014975.3(MAST1):c.2368C>T (p.Pro790Ser)

Genes: MAST1 (microtubule associated serine/threonine kinase 1; plus strand), LOC112543452 (Sharpr-MPRA regulatory region 6054; plus strand). Cytogenetic location: 19p13.13.
Variant type: single nucleotide variant.
Coding change: c.2368C>T on transcript NM_014975.3 (MANE Select); coding-DNA position 2368, C replaced by T.
Protein change: p.Pro790Ser; replaces proline 790 with serine.
Molecular consequence: missense variant.
Genome position (GRCh38, 1-based): chr19:12,867,779, C>T. VCF-style: chr19-12867779-C-T. GRCh37 (hg19) VCF-style: chr19-12978593-C-T.
Other names: short protein forms P790S.
Identifiers: ClinVar variation 2501405 (VCV002501405.1), dbSNP rs751819210, ClinGen allele CA404278829.